The following is an entry in ClinVar:

ClinVar aggregate classification (germline): Uncertain significance. Review status: criteria provided, multiple submitters, no conflicts (2 of 4 stars). 2 submissions from 2 submitters: Uncertain significance (2). Last evaluated 2024-10-09.

gnomAD v4.1: 10 of 1,613,130 alleles (0.00062%); highest among the groups gnomAD compares: Non-Finnish European, 0.00085%; no homozygotes.

Submissions (2):

Dasa
Classification: Uncertain significance. Last evaluated: 2024-10-09. Review status: criteria provided, single submitter. Criteria: DASA Assertion Criteria. Collection method: clinical testing. Allele origin: germline.
Comment: NM_001375905.1(SGMS2):c.508C>T (p.Arg170Cys) is a missense variant that results in the substitution of arginine with cysteine. This variant is rare in population databases. Computational prediction algorithms are consistent with a deleterious effect. The currently available literature and clinical evidence are not sufficient to establish a definitive association between this variant and the reported condition. Therefore, this variant is classified as a variant of uncertain significance.

Labcorp Genetics (formerly Invitae), Labcorp
Classification: Uncertain significance. Last evaluated: 2022-05-04. Review status: criteria provided, single submitter. Criteria: Invitae Variant Classification Sherloc (09022015). Collection method: clinical testing. Allele origin: germline.
Comment: Algorithms developed to predict the effect of missense changes on protein structure and function (SIFT, PolyPhen-2, Align-GVGD) all suggest that this variant is likely to be disruptive. In summary, the available evidence is currently insufficient to determine the role of this variant in disease. Therefore, it has been classified as a Variant of Uncertain Significance. This variant has not been reported in the literature in individuals affected with SGMS2-related conditions. This variant is present in population databases (no rsID available, gnomAD 0.0009%). This sequence change replaces arginine, which is basic and polar, with cysteine, which is neutral and slightly polar, at codon 170 of the SGMS2 protein (p.Arg170Cys).

NM_001375905.1(SGMS2):c.508C>T (p.Arg170Cys)

Genes: CYP2U1-AS1 (CYP2U1 and SGMS2 antisense RNA 1; minus strand), SGMS2 (sphingomyelin synthase 2; plus strand). Cytogenetic location: 4q25.
Variant type: single nucleotide variant.
Coding change: c.508C>T on transcript NM_001375905.1 (MANE Select); coding-DNA position 508, C replaced by T.
Protein change: p.Arg170Cys; replaces arginine 170 with cysteine.
Molecular consequence: missense variant. On other transcripts: 5 prime UTR variant (1).
Genome position (GRCh38, 1-based): chr4:107,899,627, C>T. VCF-style: chr4-107899627-C-T. GRCh37 (hg19) VCF-style: chr4-108820783-C-T.
Other names: c.508C>T, p.Arg170Cys (NM_001136257.2, NM_001136258.2, NM_001375906.1 and 4 more transcripts); c.-12C>T (NM_001375911.1); short protein forms R170C.
Identifiers: ClinVar variation 2154668 (VCV002154668.6), dbSNP rs1359489466, ClinGen allele CA357826003.
Genomic context (GRCh38, chr4:107,899,627, plus strand): 5'-TCTTTTAGGTCAATAGTGGGACGCAGATTCTGTTTTATTATTGGAACTTTATACCTGTAT[C>T]GCTGCATTACAATGTATGTTACTACTCTACCTGTGCCTGGAATGCATTTCCAGTGTGCTC-3'
Protein context (NP_001362834.1, residues 160-180): CFIIGTLYLY[Arg170Cys]CITMYVTTLP